The following is an entry in ClinVar:

NM_032444.4(SLX4):c.5189C>G (p.Ser1730Cys)

Gene: SLX4 (SLX4 structure-specific endonuclease subunit; minus strand). Cytogenetic location: 16p13.3.
Variant type: single nucleotide variant.
Coding change: c.5189C>G on transcript NM_032444.4 (MANE Select); coding-DNA position 5189, C replaced by G.
Protein change: p.Ser1730Cys; replaces serine 1730 with cysteine.
Molecular consequence: missense variant.
Genome position (GRCh38, 1-based): chr16:3,582,658, G>C on the plus strand (C>G on the coding strand, the complement: SLX4 is on the minus strand). VCF-style: chr16-3582658-G-C. GRCh37 (hg19) VCF-style: chr16-3632659-G-C.
Other names: short protein forms S1730C.
Identifiers: ClinVar variation 1519081 (VCV001519081.6), dbSNP rs376960842, ClinGen allele CA276952144.

ClinVar aggregate classification (germline): Uncertain significance (1 of 4 stars; one submission).

Conditions:
Fanconi anemia (FA). Also called: Fanconi's anemia. Identifiers: Orphanet 84, MedGen C0015625, MeSH D005199, MONDO:0019391.

Allele frequency attached by ClinVar (database versions not stated): gnomAD 0.00001; TOPMed 0.00001; ESP Exome Variant Server 0.00008.
gnomAD v4.1: 6 of 1,613,050 alleles (0.00037%); highest among the groups gnomAD compares: African/African-American, 0.0027%; no homozygotes.

Submission:

Labcorp Genetics (formerly Invitae), Labcorp
Classification: Uncertain significance for Fanconi anemia. Last evaluated: 2021-08-04. Review status: criteria provided, single submitter. Criteria: Invitae Variant Classification Sherloc (09022015). Collection method: clinical testing. Allele origin: germline.
Comment: In summary, the available evidence is currently insufficient to determine the role of this variant in disease. Therefore, it has been classified as a Variant of Uncertain Significance. Algorithms developed to predict the effect of missense changes on protein structure and function output the following: SIFT: "Tolerated"; PolyPhen-2: "Benign"; Align-GVGD: "Class C0". The cysteine amino acid residue is found in multiple mammalian species, which suggests that this missense change does not adversely affect protein function. This variant has not been reported in the literature in individuals affected with SLX4-related conditions. This variant is not present in population databases (ExAC no frequency). This sequence change replaces serine with cysteine at codon 1730 of the SLX4 protein (p.Ser1730Cys). The serine residue is moderately conserved and there is a moderate physicochemical difference between serine and cysteine.